The following is an entry in ClinVar:

NM_003482.4(KMT2D):c.2673A>G (p.Leu891=)

Gene: KMT2D (lysine methyltransferase 2D; minus strand). Cytogenetic location: 12q13.12.
Variant type: single nucleotide variant.
Coding change: c.2673A>G on transcript NM_003482.4 (MANE Select); coding-DNA position 2673, A replaced by G.
Protein change: p.Leu891=; no amino-acid change (leucine 891 retained).
Molecular consequence: synonymous variant.
Genome position (GRCh38, 1-based): chr12:49,051,010, T>C on the plus strand (A>G on the coding strand, the complement: KMT2D is on the minus strand). VCF-style: chr12-49051010-T-C. GRCh37 (hg19) VCF-style: chr12-49444793-T-C.
Other names: c.2673A>G (NM_003482.3).
Identifiers: ClinVar variation 1539688 (VCV001539688.11), dbSNP rs1284051232, ClinGen allele CA479713968.

ClinVar aggregate classification (germline): Likely benign. Review status: criteria provided, multiple submitters, no conflicts (2 of 4 stars). 3 submissions from 3 submitters: Likely benign (2). 1 of the submissions does not count toward it. Last evaluated 2025-10-23.

Conditions:
KMT2D-related disorder. Also called: KMT2D-Related Disorders.
Kabuki syndrome. Also called: Kabuki make-up syndrome; NIIKAWA-KUROKI SYNDROME. Identifiers: Orphanet 2322, MedGen C0796004, MONDO:0016512.

Allele frequency attached by ClinVar (database versions not stated): gnomAD 0.00001 and 0.00003; gnomAD exomes 0.00001 and 0.00003; TOPMed 0.00002.
gnomAD v4.1: 41 of 1,566,914 alleles (0.0026%); highest among the groups gnomAD compares: Middle Eastern, 0.017%; no homozygotes.

Submissions (3):

Labcorp Genetics (formerly Invitae), Labcorp
Classification: Likely benign for Kabuki syndrome. Last evaluated: 2025-10-23. Review status: criteria provided, single submitter. Criteria: Invitae Variant Classification Sherloc (09022015). Collection method: clinical testing. Allele origin: germline.

Blueprint Genetics
Classification: Likely benign. Last evaluated: 2021-11-05. Review status: criteria provided, single submitter. Criteria: ACMG Guidelines, 2015. Collection method: clinical testing. Allele origin: germline.

PreventionGenetics, part of Exact Sciences
Classification: Likely benign for KMT2D-related condition. Last evaluated: 2021-11-09. Review status: no assertion criteria provided. Collection method: clinical testing. Allele origin: germline. Not counted in ClinVar's aggregate classification.
Comment: This variant is classified as likely benign based on ACMG/AMP sequence variant interpretation guidelines (Richards et al. 2015 PMID: 25741868, with internal and published modifications).